The following is an entry in ClinVar:

NM_000388.4(CASR):c.2239C>T (p.Pro747Ser)

Gene: CASR (calcium sensing receptor; plus strand). Cytogenetic location: 3q21.1.
Variant type: single nucleotide variant.
Coding change: c.2239C>T on transcript NM_000388.4 (MANE Select); coding-DNA position 2239, C replaced by T.
Protein change: p.Pro747Ser; replaces proline 747 with serine.
Molecular consequence: missense variant.
Genome position (GRCh38, 1-based): chr3:122,284,193, C>T. VCF-style: chr3-122284193-C-T. GRCh37 (hg19) VCF-style: chr3-122003040-C-T.
Other names: c.2269C>T, p.Pro757Ser (NM_001178065.2); short protein forms P757S, P747S.
Identifiers: ClinVar variation 652499 (VCV000652499.11), dbSNP rs1576877692, ClinGen allele CA354159159.

ClinVar aggregate classification (germline): Uncertain significance (1 of 4 stars; one submission).

Conditions:
Autosomal dominant hypocalcemia 1 (HYPOC1). Also called: HYPOCALCEMIA, FAMILIAL. Identifiers: MedGen C3715128, MONDO:0011013, OMIM 601198.
Familial hypocalciuric hypercalcemia (FHH). Also called: Familial benign hypercalcemia. Identifiers: Orphanet 405, MedGen C1809471, MONDO:0018458.

Allele frequency attached by ClinVar (database versions not stated): gnomAD exomes below 0.00001; TOPMed below 0.00001; gnomAD 0.00001.

Submission:

Labcorp Genetics (formerly Invitae), Labcorp
Classification: Uncertain significance for Familial hypocalciuric hypercalcemia; Autosomal dominant hypocalcemia 1. Last evaluated: 2022-06-13. Review status: criteria provided, single submitter. Criteria: Invitae Variant Classification Sherloc (09022015). Collection method: clinical testing. Allele origin: germline.
Comment: In summary, the available evidence is currently insufficient to determine the role of this variant in disease. Therefore, it has been classified as a Variant of Uncertain Significance. Algorithms developed to predict the effect of missense changes on protein structure and function (SIFT, PolyPhen-2, Align-GVGD) all suggest that this variant is likely to be disruptive. ClinVar contains an entry for this variant (Variation ID: 652499). This variant has not been reported in the literature in individuals affected with CASR-related conditions. This variant is not present in population databases (gnomAD no frequency). This sequence change replaces proline, which is neutral and non-polar, with serine, which is neutral and polar, at codon 747 of the CASR protein (p.Pro747Ser).